The following is an entry in ClinVar:

ClinVar aggregate classification (germline): Uncertain significance. Review status: criteria provided, multiple submitters, no conflicts (2 of 4 stars). 3 submissions from 3 submitters: Uncertain significance (3). Last evaluated 2024-01-03.

Conditions:
Inborn genetic diseases. Identifiers: MedGen C0950123, MeSH D030342.

Allele frequency attached by ClinVar (database versions not stated): gnomAD 0.00001; gnomAD exomes 0.00002; ExAC 0.00003.
gnomAD v4.1: 29 of 1,613,966 alleles (0.0018%); highest among the groups gnomAD compares: Non-Finnish European, 0.0021%; no homozygotes.

Submissions (3):

Ambry Genetics
Classification: Uncertain significance for Inborn genetic diseases. Last evaluated: 2024-01-03. Review status: criteria provided, single submitter. Criteria: Ambry Variant Classification Scheme 2023. Collection method: clinical testing. Allele origin: germline.

Labcorp Genetics (formerly Invitae), Labcorp
Classification: Uncertain significance. Last evaluated: 2023-12-06. Review status: criteria provided, single submitter. Criteria: Invitae Variant Classification Sherloc (09022015). Collection method: clinical testing. Allele origin: germline.
Comment: This sequence change replaces serine, which is neutral and polar, with phenylalanine, which is neutral and non-polar, at codon 758 of the ADAM9 protein (p.Ser758Phe). This variant is present in population databases (rs759894315, gnomAD 0.004%). This variant has not been reported in the literature in individuals affected with ADAM9-related conditions. ClinVar contains an entry for this variant (Variation ID: 1058181). An algorithm developed to predict the effect of missense changes on protein structure and function (PolyPhen-2) suggests that this variant¬†is likely to be tolerated. In summary, the available evidence is currently insufficient to determine the role of this variant in disease. Therefore, it has been classified as a Variant of Uncertain Significance.

Blueprint Genetics
Classification: Uncertain significance. Last evaluated: 2019-08-18. Review status: criteria provided, single submitter. Criteria: ACMG Guidelines, 2015. Collection method: clinical testing. Allele origin: germline.

NM_003816.3(ADAM9):c.2273C>T (p.Ser758Phe)

Gene: ADAM9 (ADAM metallopeptidase domain 9; plus strand). Cytogenetic location: 8p11.22.
Variant type: single nucleotide variant.
Coding change: c.2273C>T on transcript NM_003816.3 (MANE Select); coding-DNA position 2273, C replaced by T.
Protein change: p.Ser758Phe; replaces serine 758 with phenylalanine.
Molecular consequence: missense variant. On other transcripts: non-coding transcript variant (3).
Genome position (GRCh38, 1-based): chr8:39,091,321, C>T. VCF-style: chr8-39091321-C-T. GRCh37 (hg19) VCF-style: chr8-38948840-C-T.
Other names: c.2273C>T (NM_003816.2); short protein forms S758F.
Identifiers: ClinVar variation 1058181 (VCV001058181.5), dbSNP rs759894315, ClinGen allele CA4721854.